The following is an entry in ClinVar:

NM_001042492.3(NF1):c.3442G>A (p.Ala1148Thr)

Gene: NF1 (neurofibromin 1; plus strand). Cytogenetic location: 17q11.2.
Variant type: single nucleotide variant.
Coding change: c.3442G>A on transcript NM_001042492.3 (MANE Select); coding-DNA position 3442, G replaced by A.
Protein change: p.Ala1148Thr; replaces alanine 1148 with threonine.
Molecular consequence: missense variant.
Genome position (GRCh38, 1-based): chr17:31,232,827, G>A. VCF-style: chr17-31232827-G-A. GRCh37 (hg19) VCF-style: chr17-29559845-G-A.
Other names: c.3442G>A, p.Ala1148Thr (NM_000267.4); short protein forms A1148T.
Identifiers: ClinVar variation 1999275 (VCV001999275.5), dbSNP rs2067137289, ClinGen allele CA398989286.

ClinVar aggregate classification (germline): Uncertain significance. Review status: criteria provided, multiple submitters, no conflicts (2 of 4 stars). 2 submissions from 2 submitters: Uncertain significance (2). Last evaluated 2025-10-22.

Conditions:
Neurofibromatosis, type 1 (NF1). Also called: Neurofibromatosis, type I; Peripheral type neurofibromatosis; NEUROFIBROMATOSIS, TYPE I, SOMATIC; VON RECKLINGHAUSEN DISEASE. Identifiers: Orphanet 636, MedGen C0027831, MONDO:0018975, OMIM 162200. Disease mechanism: loss of function.
Cardiovascular phenotype. Identifiers: MedGen CN230736.
Hereditary cancer-predisposing syndrome. Also called: Hereditary Cancer Syndrome; Tumor predisposition; Hereditary neoplastic syndrome; Neoplastic Syndromes, Hereditary. Identifiers: Orphanet 140162, MedGen C0027672, MeSH D009386, MONDO:0015356.

Submissions (2):

Ambry Genetics
Classification: Uncertain significance for Cardiovascular phenotype; Hereditary cancer-predisposing syndrome. Last evaluated: 2025-10-22. Review status: criteria provided, single submitter. Criteria: Ambry Variant Classification Scheme 2023. Collection method: clinical testing. Allele origin: germline.
Comment: The p.A1148T variant (also known as c.3442G>A), located in coding exon 26 of the NF1 gene, results from a G to A substitution at nucleotide position 3442. The alanine at codon 1148 is replaced by threonine, an amino acid with similar properties. This amino acid position is conserved. In addition, the in silico prediction for this alteration is inconclusive. Based on the available evidence, the clinical significance of this variant remains unclear.

Labcorp Genetics (formerly Invitae), Labcorp
Classification: Uncertain significance for Neurofibromatosis, type 1. Last evaluated: 2022-05-27. Review status: criteria provided, single submitter. Criteria: Invitae Variant Classification Sherloc (09022015). Collection method: clinical testing. Allele origin: germline.
Comment: This sequence change replaces alanine, which is neutral and non-polar, with threonine, which is neutral and polar, at codon 1148 of the NF1 protein (p.Ala1148Thr). This variant is not present in population databases (gnomAD no frequency). This variant has not been reported in the literature in individuals affected with NF1-related conditions. Advanced modeling of protein sequence and biophysical properties (such as structural, functional, and spatial information, amino acid conservation, physicochemical variation, residue mobility, and thermodynamic stability) performed at Invitae indicates that this missense variant is expected to disrupt NF1 protein function. This variant disrupts the p.Ala1148 amino acid residue in NF1. Other variant(s) that disrupt this residue have been determined to be pathogenic (PMID: 25234363). This suggests that this residue is clinically significant, and that variants that disrupt this residue are likely to be disease-causing. In summary, the available evidence is currently insufficient to determine the role of this variant in disease. Therefore, it has been classified as a Variant of Uncertain Significance.

Literature cited by the submitters: PubMed 25234363 (cited by Labcorp Genetics (formerly Invitae), Labcorp).